The following is an entry in ClinVar:

NM_145331.3(MAP3K7):c.874C>G (p.Pro292Ala)

Gene: MAP3K7 (mitogen-activated protein kinase kinase kinase 7; minus strand). Cytogenetic location: 6q15.
Variant type: single nucleotide variant.
Coding change: c.874C>G on transcript NM_145331.3 (MANE Select); coding-DNA position 874, C replaced by G.
Protein change: p.Pro292Ala; replaces proline 292 with alanine.
Molecular consequence: missense variant.
Genome position (GRCh38, 1-based): chr6:90,550,543, G>C on the plus strand (C>G on the coding strand, the complement: MAP3K7 is on the minus strand). VCF-style: chr6-90550543-G-C. GRCh37 (hg19) VCF-style: chr6-91260262-G-C.
Other names: c.874C>G, p.Pro292Ala (NM_003188.4, NM_145332.3, NM_145333.3); short protein forms P292A.
Identifiers: ClinVar variation 1477989 (VCV001477989.6), dbSNP rs781446047, ClinGen allele CA365010690.
Genomic context (GRCh38, chr6:90,550,543, plus strand): 5'-AGTTGCTCTGTCCTTCATCTGAATACTGACAAGGATACTGTAATGGCTCATCTGCTCCTG[G>C]AAAGTACTATATATAAAAAAGTAAACCACAGCTTAAAATTTCCTTAATACAAATTAAATC-3'
Protein context (NP_663304.1, residues 282-302): KIMTHLMRYF[Pro292Ala]GADEPLQYPC

ClinVar aggregate classification (germline): Uncertain significance (1 of 4 stars; one submission).

gnomAD v4.1: 1 of 1,603,064 alleles (0.000062%); highest among the groups gnomAD compares: Non-Finnish European, 0.000085%; no homozygotes.

Submission:

Labcorp Genetics (formerly Invitae), Labcorp
Classification: Uncertain significance. Last evaluated: 2021-10-13. Review status: criteria provided, single submitter. Criteria: Invitae Variant Classification Sherloc (09022015). Collection method: clinical testing. Allele origin: germline.
Comment: In summary, the available evidence is currently insufficient to determine the role of this variant in disease. Therefore, it has been classified as a Variant of Uncertain Significance. Algorithms developed to predict the effect of missense changes on protein structure and function are either unavailable or do not agree on the potential impact of this missense change (SIFT: "Deleterious"; PolyPhen-2: "Benign"; Align-GVGD: "Class C0"). This variant has not been reported in the literature in individuals affected with MAP3K7-related conditions. This variant is not present in population databases (ExAC no frequency). This sequence change replaces proline with alanine at codon 292 of the MAP3K7 protein (p.Pro292Ala). The proline residue is highly conserved and there is a small physicochemical difference between proline and alanine.